The following is an entry in ClinVar:

ClinVar aggregate classification (germline): Pathogenic (1 of 4 stars; one submission).

Submission:

Labcorp Genetics (formerly Invitae), Labcorp
Classification: Pathogenic. Last evaluated: 2024-02-06. Review status: criteria provided, single submitter. Criteria: Invitae Variant Classification Sherloc (09022015). Collection method: clinical testing. Allele origin: germline.
Comment: This sequence change creates a premature translational stop signal (p.Gln1282Alafs*74) in the POLE gene. It is expected to result in an absent or disrupted protein product. Loss-of-function variants in POLE are known to be pathogenic (PMID: 23230001, 25948378, 30503519). This variant is not present in population databases (gnomAD no frequency). This variant has not been reported in the literature in individuals affected with POLE-related conditions. For these reasons, this variant has been classified as Pathogenic.

Literature cited by the submitters: PubMed 23230001; PubMed 25948378; PubMed 30503519.

NM_006231.4(POLE):c.3839_3842dup (p.Gln1282fs)

Gene: POLE (DNA polymerase epsilon, catalytic subunit; minus strand). Cytogenetic location: 12q24.33.
Variant type: Duplication.
Coding change: c.3839_3842dup on transcript NM_006231.4 (MANE Select); coding-DNA positions 3839 to 3842, 4 bases duplicated (AGCT; older notation c.3839_3842dupAGCT).
Protein change: p.Gln1282fs; shifts the reading frame from glutamine 1282.
Molecular consequence: frameshift variant.
Genome position (GRCh38, 1-based): chr12:132,649,469-132,649,472, AGCT duplicated on the plus strand (AGCT on the coding strand, the reverse complement: POLE is on the minus strand). VCF-style (leftmost placement, unchanged base first): chr12-132649468-C-CAGCT. GRCh37 (hg19) VCF-style: chr12-133226054-C-CAGCT.
Other names: short protein forms Q1282fs.
Identifiers: ClinVar variation 3639222 (VCV003639222.2).